The following is an entry in ClinVar:

ClinVar aggregate classification (germline): Pathogenic. Review status: criteria provided, multiple submitters, no conflicts (2 of 4 stars). 3 submissions from 3 submitters: Pathogenic (2). 1 of the submissions does not count toward it. Last evaluated 2024-12-24.

Conditions:
Hereditary cancer-predisposing syndrome. Also called: Neoplastic Syndromes, Hereditary; Tumor predisposition; Hereditary Cancer Syndrome; Hereditary neoplastic syndrome. Identifiers: Orphanet 140162, MedGen C0027672, MeSH D009386, MONDO:0015356.
Tuberous sclerosis syndrome (TSC). Also called: Tuberous Sclerosis Complex; Tuberous sclerosis. Identifiers: Orphanet 805, MedGen C0041341, MONDO:0001734.
Tuberous sclerosis 2 (TSC2). Identifiers: Orphanet 805, MedGen C1860707, MONDO:0013199, OMIM 613254.

Submissions (3):

Labcorp Genetics (formerly Invitae), Labcorp
Classification: Pathogenic for Tuberous sclerosis 2. Last evaluated: 2024-12-24. Review status: criteria provided, single submitter. Criteria: Invitae Variant Classification Sherloc (09022015). Collection method: clinical testing. Allele origin: germline.
Comment: This sequence change affects an acceptor splice site in intron 4 of the TSC2 gene. It is expected to disrupt RNA splicing. Variants that disrupt the donor or acceptor splice site typically lead to a loss of protein function (PMID: 16199547), and loss-of-function variants in TSC2 are known to be pathogenic (PMID: 10205261, 17304050). This variant is not present in population databases (gnomAD no frequency). Disruption of this splice site has been observed in individuals with tuberous sclerosis complex (PMID: 10735580, 23389244). ClinVar contains an entry for this variant (Variation ID: 49253). Algorithms developed to predict the effect of sequence changes on RNA splicing suggest that this variant may disrupt the consensus splice site. For these reasons, this variant has been classified as Pathogenic.

Ambry Genetics
Classification: Pathogenic for Hereditary cancer-predisposing syndrome. Last evaluated: 2018-05-21. Review status: criteria provided, single submitter. Criteria: Ambry Variant Classification Scheme 2023. Collection method: clinical testing. Allele origin: germline.
Comment: The c.337-1G>T intronic variant results from a G to T substitution one nucleotide upstream from coding exon 4 of the TSC2 gene.This alteration has been identified in patients reportedly meeting diagnostic criteria for tuberous sclerosis; however, clinical details were limited (Choy YS et al. Ann. Hum. Genet. 1999 Sep;63(Pt 5):383-91; Dabora SL et al. Am. J. Hum. Genet. 2001 Jan;68:64-80; Ambry internal data). In addition to the clinical data presented in the literature, alterations that disrupt the canonical splice site are expected to cause aberrant splicing, resulting in an abnormal protein or a transcript that is subject to nonsense-mediated mRNA decay. Based on the supporting evidence, this alteration is interpreted as a disease-causing mutation.

Tuberous sclerosis database (TSC2)
No classification provided. Condition: TSC. Review status: no classification provided. Criteria: Tuberous Sclerosis Database Assertion Criteria 2015. Collection method: curation. Allele origin: germline. Affected: yes. Not counted in ClinVar's aggregate classification.

Literature cited by the submitters: PubMed 16199547 (cited by Labcorp Genetics (formerly Invitae), Labcorp); PubMed 10205261 (cited by Labcorp Genetics (formerly Invitae), Labcorp); PubMed 17304050 (cited by Labcorp Genetics (formerly Invitae), Labcorp); PubMed 10735580 (cited by Labcorp Genetics (formerly Invitae), Labcorp and Ambry Genetics); PubMed 23389244 (cited by Labcorp Genetics (formerly Invitae), Labcorp); PubMed 11112665 (cited by Ambry Genetics).

NM_000548.5(TSC2):c.337-1G>T

Gene: TSC2 (TSC complex subunit 2; plus strand). Cytogenetic location: 16p13.3.
Variant type: single nucleotide variant.
Coding change: c.337-1G>T on transcript NM_000548.5 (MANE Select); the canonical splice acceptor site of the intron before coding-DNA position 337, G replaced by T.
Molecular consequence: splice acceptor variant. On other transcripts: intron variant (6).
Genome position (GRCh38, 1-based): chr16:2,054,295, G>T. VCF-style: chr16-2054295-G-T. GRCh37 (hg19) VCF-style: chr16-2104296-G-T.
Other names: c.337-1G>T (NM_001114382.3, NM_001406663.1, NM_001406664.1 and 8 more transcripts); c.-976-1G>T (NM_001406694.1, NM_001406695.1); c.-1083-1G>T (NM_001406696.1); c.-109-1G>T (NM_001406681.1); c.226-1G>T (NM_001406670.1, NM_001318827.2, NM_001406678.1); c.-1-1901G>T (NM_001406682.1, NM_001406684.1, NM_001406685.1 and 3 more transcripts); c.280-1G>T (NM_001406677.1); c.190-1G>T (NM_001406675.1, NM_001406676.1, NM_001318829.2 and 1 more transcripts); and 6 more.
Identifiers: ClinVar variation 49253 (VCV000049253.6), dbSNP rs45517105, ClinGen allele CA019020.